The following is an entry in ClinVar:

ClinVar aggregate classification (germline): Uncertain significance (1 of 4 stars; one submission).

gnomAD v4.1: 1 of 1,547,966 alleles (0.000065%); highest among the groups gnomAD compares: Non-Finnish European, 0.000087%; no homozygotes.

Submission:

Labcorp Genetics (formerly Invitae), Labcorp
Classification: Uncertain significance. Last evaluated: 2022-04-12. Review status: criteria provided, single submitter. Criteria: Invitae Variant Classification Sherloc (09022015). Collection method: clinical testing. Allele origin: germline.
Comment: In summary, the available evidence is currently insufficient to determine the role of this variant in disease. Therefore, it has been classified as a Variant of Uncertain Significance. Algorithms developed to predict the effect of missense changes on protein structure and function (SIFT, PolyPhen-2, Align-GVGD) all suggest that this variant is likely to be tolerated. This variant has not been reported in the literature in individuals affected with PPP1CB-related conditions. This variant is not present in population databases (gnomAD no frequency). This sequence change replaces threonine, which is neutral and polar, with isoleucine, which is neutral and non-polar, at codon 13 of the PPP1CB protein (p.Thr13Ile).

NM_002709.3(PPP1CB):c.38C>T (p.Thr13Ile)

Gene: PPP1CB (protein phosphatase 1 catalytic subunit beta; plus strand). Cytogenetic location: 2p23.2.
Variant type: single nucleotide variant.
Coding change: c.38C>T on transcript NM_002709.3 (MANE Select); coding-DNA position 38, C replaced by T.
Protein change: p.Thr13Ile; replaces threonine 13 with isoleucine.
Molecular consequence: missense variant.
Genome position (GRCh38, 1-based): chr2:28,752,162, C>T. VCF-style: chr2-28752162-C-T. GRCh37 (hg19) VCF-style: chr2-28975028-C-T.
Other names: c.38C>T, p.Thr13Ile (NM_206876.2); short protein forms T13I.
Identifiers: ClinVar variation 2125766 (VCV002125766.4), dbSNP rs1666312111, ClinGen allele CA346584436.
Genomic context (GRCh38, chr2:28,752,162, plus strand): 5'-GAAGGAGAGTCTGTGCCGACAAGATGGCGGACGGGGAGCTGAACGTGGACAGCCTCATCA[C>T]CCGGCTGCTGGAGGGTGAGTGCGCGCCTGGCCGCGGGACAGAGGGAGGTCGGGCACCGCC-3'
Protein context (NP_002700.1, residues 3-23): DGELNVDSLI[Thr13Ile]RLLEVRGCRP